The following is an entry in ClinVar:

NM_000038.6(APC):c.2661T>G (p.Ile887Met)

Gene: APC (APC regulator of Wnt signaling pathway; plus strand). Cytogenetic location: 5q22.2.
Variant type: single nucleotide variant.
Coding change: c.2661T>G on transcript NM_000038.6 (MANE Select); coding-DNA position 2661, T replaced by G.
Protein change: p.Ile887Met; replaces isoleucine 887 with methionine.
Molecular consequence: missense variant. On other transcripts: non-coding transcript variant (2).
Genome position (GRCh38, 1-based): chr5:112,838,255, T>G. VCF-style: chr5-112838255-T-G. GRCh37 (hg19) VCF-style: chr5-112173952-T-G.
Other names: c.2661T>G, p.Ile887Met (NM_001407450.1, NM_001127510.3, NM_001354895.2); c.2640T>G, p.Ile880Met (NM_001407451.1); c.2631T>G, p.Ile877Met (NM_001407452.1); c.2715T>G, p.Ile905Met (NM_001407448.1, NM_001407449.1, NM_001407447.1 and 1 more transcripts); c.2607T>G, p.Ile869Met (NM_001127511.3); c.2691T>G, p.Ile897Met (NM_001354897.2); c.2586T>G, p.Ile862Met (NM_001354898.2); c.2577T>G, p.Ile859Met (NM_001354899.2); and 11 more; short protein forms I503M, I604M, I727M, I758M, I761M, I786M, I796M, I804M.
Identifiers: ClinVar variation 4801454 (VCV004801454.1).

ClinVar aggregate classification (germline): Uncertain significance (1 of 4 stars; one submission).

Conditions:
Familial adenomatous polyposis 1 (FAP1). Also called: FAMILIAL ADENOMATOUS POLYPOSIS 1, ATTENUATED; POLYPOSIS, ADENOMATOUS INTESTINAL. Identifiers: MedGen C2713442, MONDO:0021056, OMIM 175100. Disease mechanism: loss of function.

Submission:

Labcorp Genetics (formerly Invitae), Labcorp
Classification: Uncertain significance for Familial adenomatous polyposis 1. Last evaluated: 2025-06-17. Review status: criteria provided, single submitter. Criteria: Invitae Variant Classification Sherloc (09022015). Collection method: clinical testing. Allele origin: germline.
Comment: This sequence change replaces isoleucine, which is neutral and non-polar, with methionine, which is neutral and non-polar, at codon 887 of the APC protein (p.Ile887Met). This variant is not present in population databases (gnomAD no frequency). This variant has not been reported in the literature in individuals affected with APC-related conditions. Invitae Evidence Modeling of protein sequence and biophysical properties (such as structural, functional, and spatial information, amino acid conservation, physicochemical variation, residue mobility, and thermodynamic stability) indicates that this missense variant is not expected to disrupt APC protein function with a negative predictive value of 95%. In summary, the available evidence is currently insufficient to determine the role of this variant in disease. Therefore, it has been classified as a Variant of Uncertain Significance.